The following is an entry in ClinVar:

NM_024589.3(ROGDI):c.696-8G>T

Gene: ROGDI (rogdi atypical leucine zipper; minus strand). Cytogenetic location: 16p13.3.
Variant type: single nucleotide variant.
Coding change: c.696-8G>T on transcript NM_024589.3 (MANE Select); 8 bases into the intron before coding-DNA position 696, G replaced by T.
Molecular consequence: intron variant.
Genome position (GRCh38, 1-based): chr16:4,797,848, C>A on the plus strand (G>T on the coding strand, the complement: ROGDI is on the minus strand). VCF-style: chr16-4797848-C-A. GRCh37 (hg19) VCF-style: chr16-4847849-C-A.
Identifiers: ClinVar variation 530802 (VCV000530802.16), dbSNP rs3747609, ClinGen allele CA7882517.

ClinVar aggregate classification (germline): Benign/Likely benign. Review status: criteria provided, multiple submitters, no conflicts (2 of 4 stars). 3 submissions from 3 submitters: Benign (1); Likely benign (2). Last evaluated 2025-09-24.

Conditions:
Amelocerebrohypohidrotic syndrome (KTZS). Also called: KOHLSCHUTTER SYNDROME; Kohlschutter's syndrome; EPILEPSY AND YELLOW TEETH; EPILEPSY, DEMENTIA, AND AMELOGENESIS IMPERFECTA. Identifiers: Orphanet 1946, MedGen C0406740, MONDO:0009185, OMIM 226750.
ROGDI-related disorder. Also called: ROGDI-related condition.

Allele frequency attached by ClinVar (database versions not stated): TOPMed 0.00006; gnomAD 0.00008 and 0.00017; gnomAD exomes 0.00020; ExAC 0.00026; 1000 Genomes Project 30x 0.00031; 1000 Genomes Project 0.00040.

Submissions (3):

Labcorp Genetics (formerly Invitae), Labcorp
Classification: Benign for Amelocerebrohypohidrotic syndrome. Last evaluated: 2025-09-24. Review status: criteria provided, single submitter. Criteria: Invitae Variant Classification Sherloc (09022015). Collection method: clinical testing. Allele origin: germline.

PreventionGenetics, part of Exact Sciences
Classification: Likely benign for ROGDI-related condition. Last evaluated: 2024-11-25. Review status: criteria provided, single submitter. Criteria: ACMG Guidelines, 2015. Collection method: clinical testing. Allele origin: germline.
Comment: This variant is classified as likely benign based on ACMG/AMP sequence variant interpretation guidelines (Richards et al. 2015 PMID: 25741868, with internal and published modifications).

Illumina Laboratory Services, Illumina
Classification: Likely benign for Kohlschutter syndrome. Last evaluated: 2018-01-12. Review status: criteria provided, single submitter. Criteria: ICSL Variant Classification Criteria 13 December 2019. Collection method: clinical testing. Allele origin: germline.
Comment: This variant was observed in the ICSL laboratory as part of a predisposition screen in an ostensibly healthy population. It had not been previously curated by ICSL or reported in the Human Gene Mutation Database (HGMD: prior to June 1st, 2018), and was therefore a candidate for classification through an automated scoring system. Utilizing variant allele frequency, disease prevalence and penetrance estimates, and inheritance mode, an automated score was calculated to assess if this variant is too frequent to cause the disease. Based on the score and internal cut-off values, a variant classified as likely benign is not then subjected to further curation. The score for this variant resulted in a classification of likely benign for this disease.